The following is an entry in ClinVar:

ClinVar aggregate classification (germline): Benign/Likely benign. Review status: criteria provided, multiple submitters, no conflicts (2 of 4 stars). 8 submissions from 8 submitters: Benign (1); Likely benign (4). 3 of the submissions do not count toward it. Last evaluated 2026-08-01.

Conditions:
Deficiency of alpha-mannosidase (MANSA). Also called: Mannosidosis, alpha-, types I and II; LYSOSOMAL ALPHA-D-MANNOSIDASE DEFICIENCY; Alpha-Mannosidosis. Identifiers: Orphanet 61, MedGen C0024748, MONDO:0009561, OMIM 248500.

Allele frequency attached by ClinVar (database versions not stated): 1000 Genomes Project 30x 0.00141; 1000 Genomes Project 0.00160; ESP Exome Variant Server 0.00369; gnomAD exomes 0.00419 and 0.00454; ExAC 0.00423; TOPMed 0.00249; gnomAD 0.00325 and 0.00328.
gnomAD v4.1: 7,123 of 1,614,014 alleles (0.44%); highest among the groups gnomAD compares: Non-Finnish European, 0.45%; 37 homozygotes.

Submissions (8):

CeGaT Center for Human Genetics Tuebingen
Classification: Likely benign. Last evaluated: 2026-08-01. Review status: criteria provided, single submitter. Criteria: CeGaT Center For Human Genetics Tuebingen Variant Classification Criteria Version 2. Collection method: clinical testing. Allele origin: germline. Affected: yes. Observed: 8 variant alleles.
Comment: MAN2B1: BP4, BS2

Labcorp Genetics (formerly Invitae), Labcorp
Classification: Benign for Deficiency of alpha-mannosidase. Last evaluated: 2026-02-03. Review status: criteria provided, single submitter. Criteria: Invitae Variant Classification Sherloc (09022015). Collection method: clinical testing. Allele origin: germline.

Blueprint Genetics
Classification: Likely benign. Last evaluated: 2024-11-27. Review status: criteria provided, single submitter. Criteria: ACMG Guidelines, 2015. Collection method: clinical testing. Allele origin: germline.

Fulgent Genetics
Classification: Likely benign for Deficiency of alpha-mannosidase. Last evaluated: 2021-08-17. Review status: criteria provided, single submitter. Criteria: ACMG Guidelines, 2015. Collection method: clinical testing. Allele origin: unknown.

Illumina Laboratory Services, Illumina
Classification: Likely benign for Deficiency of alpha-mannosidase. Last evaluated: 2018-01-13. Review status: criteria provided, single submitter. Criteria: ICSL Variant Classification Criteria 13 December 2019. Collection method: clinical testing. Allele origin: germline.
Comment: This variant was observed in the ICSL laboratory as part of a predisposition screen in an ostensibly healthy population. It had not been previously curated by ICSL or reported in the Human Gene Mutation Database (HGMD: prior to June 1st, 2018), and was therefore a candidate for classification through an automated scoring system. Utilizing variant allele frequency, disease prevalence and penetrance estimates, and inheritance mode, an automated score was calculated to assess if this variant is too frequent to cause the disease. Based on the score and internal cut-off values, a variant classified as likely benign is not then subjected to further curation. The score for this variant resulted in a classification of likely benign for this disease.

Mayo Clinic Laboratories, Mayo Clinic
Classification: Likely benign. Last evaluated: 2017-12-06. Review status: no assertion criteria provided. Collection method: clinical testing. Allele origin: unknown. Not counted in ClinVar's aggregate classification.

Clinical Genetics DNA and cytogenetics Diagnostics Lab, Erasmus MC, Erasmus Medical Center
Classification: Likely benign. Review status: no assertion criteria provided. Collection method: clinical testing. Allele origin: germline. Affected: yes. Study: VKGL Data-share Consensus. Not counted in ClinVar's aggregate classification.

Clinical Genetics, Academic Medical Center
Classification: Benign. Review status: no assertion criteria provided. Collection method: clinical testing. Allele origin: germline. Affected: yes. Study: VKGL Data-share Consensus. Not counted in ClinVar's aggregate classification.

NM_000528.4(MAN2B1):c.1581G>A (p.Arg527=)

Gene: MAN2B1 (mannosidase alpha class 2B member 1; minus strand). Cytogenetic location: 19p13.13.
Variant type: single nucleotide variant.
Coding change: c.1581G>A on transcript NM_000528.4 (MANE Select); coding-DNA position 1581, G replaced by A.
Protein change: p.Arg527=; no amino-acid change (arginine 527 retained).
Molecular consequence: synonymous variant.
Genome position (GRCh38, 1-based): chr19:12,656,634, C>T on the plus strand (G>A on the coding strand, the complement: MAN2B1 is on the minus strand). VCF-style: chr19-12656634-C-T. GRCh37 (hg19) VCF-style: chr19-12767448-C-T.
Other names: c.1578G>A, p.Arg526= (NM_001173498.2).
Identifiers: ClinVar variation 558860 (VCV000558860.47), dbSNP rs149613968, ClinGen allele CA9226389.